The following is an entry in ClinVar:

ClinVar aggregate classification (germline): Benign (1 of 4 stars; one submission).

Allele frequency attached by ClinVar (database versions not stated): ESP Exome Variant Server 0.00169; TOPMed 0.00208; gnomAD 0.00326; 1000 Genomes Project 30x 0.00359; 1000 Genomes Project 0.00419; gnomAD exomes 0.00427; ExAC 0.00546.

Submission:

CeGaT Center for Human Genetics Tuebingen
Classification: Benign. Last evaluated: 2026-01-01. Review status: criteria provided, single submitter. Criteria: CeGaT Center For Human Genetics Tuebingen Variant Classification Criteria Version 2. Collection method: clinical testing. Allele origin: germline. Affected: yes. Observed: 2 variant alleles.
Comment: KLHL10: BS1, BS2

NM_152467.5(KLHL10):c.*5C>G

Gene: KLHL10 (kelch like family member 10; plus strand). Cytogenetic location: 17q21.2.
Variant type: single nucleotide variant.
Coding change: c.*5C>G on transcript NM_152467.5 (MANE Select); 5 bases downstream of the stop codon, C replaced by G.
Molecular consequence: 3 prime UTR variant.
Genome position (GRCh38, 1-based): chr17:41,848,312, C>G. VCF-style: chr17-41848312-C-G. GRCh37 (hg19) VCF-style: chr17-40004564-C-G.
Other names: c.*5C>G (NM_001329595.1, NM_001329596.2).
Identifiers: ClinVar variation 2647775 (VCV002647775.24), dbSNP rs188968821, ClinGen allele CA8567445.
Genomic context (GRCh38, chr17:41,848,312, plus strand): 5'-TAGCACTGCGAGATGAAGTAAAATATTCTGCTTCGACAAGTACCCTACCTGTATGAGCCT[C>G]TTCATTTAGCTAATAAAAAGTCTAAGCAATAAGAATTAATTCTTTTTTTAAAAAAATGCA-3'